The following is an entry in ClinVar:

ClinVar aggregate classification (germline): Likely benign. Review status: criteria provided, multiple submitters, no conflicts (2 of 4 stars). 3 submissions from 3 submitters: Likely benign (3). Last evaluated 2026-01-19.

Conditions:
Hereditary cancer-predisposing syndrome. Also called: Neoplastic Syndromes, Hereditary; Hereditary neoplastic syndrome; Tumor predisposition; Hereditary Cancer Syndrome. Identifiers: Orphanet 140162, MedGen C0027672, MeSH D009386, MONDO:0015356.
Gorlin syndrome. Also called: Nevoid Basal Cell Carcinoma Syndrome; Basal cell nevus syndrome. Identifiers: Orphanet 377, MedGen C0004779, MONDO:0007187.

Allele frequency attached by ClinVar (database versions not stated): TOPMed below 0.00001; ExAC 0.00001; gnomAD 0.00001; gnomAD exomes 0.00001 and 0.00002.
gnomAD v4.1: 11 of 1,614,110 alleles (0.00068%); highest among the groups gnomAD compares: Admixed American, 0.0017%; no homozygotes.

Submissions (3):

Labcorp Genetics (formerly Invitae), Labcorp
Classification: Likely benign for Gorlin syndrome. Last evaluated: 2026-01-19. Review status: criteria provided, single submitter. Criteria: Invitae Variant Classification Sherloc (09022015). Collection method: clinical testing. Allele origin: germline.

Ambry Genetics
Classification: Likely benign for Hereditary cancer-predisposing syndrome. Last evaluated: 2019-09-28. Review status: criteria provided, single submitter. Criteria: Ambry Variant Classification Scheme 2023. Collection method: clinical testing. Allele origin: germline.

GeneDx
Classification: Likely benign. Last evaluated: 2016-08-16. Review status: criteria provided, single submitter. Criteria: GeneDx Variant Classification (06012015). Collection method: clinical testing. Allele origin: germline. Affected: yes.
Comment: This variant is considered likely benign or benign based on one or more of the following criteria: it is a conservative change, it occurs at a poorly conserved position in the protein, it is predicted to be benign by multiple in silico algorithms, and/or has population frequency not consistent with disease.

NM_000264.5(PTCH1):c.2466A>G (p.Leu822=)

Genes: PTCH1 (patched 1; minus strand), LOC100507346 (uncharacterized LOC100507346; plus strand). Cytogenetic location: 9q22.32.
Variant type: single nucleotide variant.
Coding change: c.2466A>G on transcript NM_000264.5 (MANE Select); coding-DNA position 2466, A replaced by G.
Protein change: p.Leu822=; no amino-acid change (leucine 822 retained).
Molecular consequence: synonymous variant. On other transcripts: non-coding transcript variant (2).
Genome position (GRCh38, 1-based): chr9:95,467,210, T>C on the plus strand (A>G on the coding strand, the complement: PTCH1 is on the minus strand). VCF-style: chr9-95467210-T-C. GRCh37 (hg19) VCF-style: chr9-98229492-T-C.
Other names: c.2268A>G, p.Leu756= (NM_001083602.3); c.2463A>G, p.Leu821= (NM_001083603.3); c.2013A>G, p.Leu671= (NM_001083604.3, NM_001083605.3, NM_001083606.3 and 1 more transcripts); c.2310A>G, p.Leu770= (NM_001354918.2).
Identifiers: ClinVar variation 388672 (VCV000388672.13), dbSNP rs750317626, ClinGen allele CA5138398.
Genomic context (GRCh38, chr9:95,467,210, plus strand): 5'-TTTGGGAAGCTGTTTGTTTTCTTCCAACATGACATACTTCACGTTACTGAAACTCCTGTG[T>C]AGGTCGTAAAGTAAGTGCTGGATATTCGGGTAGTCTGCTTTCTGGGTGACTATATACATG-3'
Protein context (NP_000255.2, residues 812-832): YPNIQHLLYD[Leu822=]HRSFSNVKYV